The following is an entry in ClinVar:

NM_001283009.2(RTEL1):c.3776_3779del (p.Ala1259fs)

Genes: RTEL1 (regulator of telomere elongation helicase 1; plus strand), RTEL1-TNFRSF6B (RTEL1-TNFRSF6B readthrough (NMD candidate); plus strand). Cytogenetic location: 20q13.33.
Variant type: Microsatellite.
Coding change: c.3776_3779del on transcript NM_001283009.2 (MANE Select); coding-DNA positions 3776 to 3779, 4 bases deleted (CCTG; older notation c.3776_3779delCCTG).
Protein change: p.Ala1259fs; shifts the reading frame from alanine 1259.
Molecular consequence: frameshift variant. On other transcripts: non-coding transcript variant (1), intron variant (3).
Genome position (GRCh38, 1-based): chr20:63,695,604-63,695,607, CCTG deleted; deleting any 4 consecutive bases within chr20:63,695,600-63,695,607 gives the same sequence; the c. name uses the placement nearest the transcript's 3' end. VCF-style (leftmost placement, unchanged base first): chr20-63695599-CCCTG-C. GRCh37 (hg19) VCF-style: chr20-62326952-CCCTG-C.
Other names: c.2983+124_2983+127del (NM_001283010.1); c.3724+124_3724+127del (NM_032957.5); c.3652+124_3652+127del (NM_016434.4); short protein forms A1259fs.
Identifiers: ClinVar variation 1452682 (VCV001452682.8), dbSNP rs764058481, ClinGen allele CA9966179.

ClinVar aggregate classification (germline): Pathogenic (1 of 4 stars; one submission).

Conditions:
Pulmonary fibrosis and/or bone marrow failure, Telomere-related, 3. Also called: PULMONARY FIBROSIS AND/OR BONE MARROW FAILURE SYNDROME, TELOMERE-RELATED, 3. Identifiers: Orphanet 2032, MedGen C4225346, MONDO:0014613, OMIM 616373.
Dyskeratosis congenita, autosomal recessive 5 (DKCB5). Identifiers: MedGen C3554656, MONDO:0014076, OMIM 615190.

Submission:

Labcorp Genetics (formerly Invitae), Labcorp
Classification: Pathogenic for Dyskeratosis congenita, autosomal recessive 5; Pulmonary fibrosis and/or bone marrow failure, Telomere-related, 3. Last evaluated: 2020-12-07. Review status: criteria provided, single submitter. Criteria: Invitae Variant Classification Sherloc (09022015). Collection method: clinical testing. Allele origin: germline.
Comment: This variant is present in population databases (rs764058481, ExAC 0.002%). This sequence change results in a frameshift in the RTEL1 gene (p.Ala1259Valfs*104). While this is not anticipated to result in nonsense mediated decay, it is expected to disrupt the last 42 amino acid(s) of the RTEL1 protein and extend the protein by 61 additional amino acid residues. This variant has not been reported in the literature in individuals with RTEL1-related conditions. For these reasons, this variant has been classified as Pathogenic. This variant results in an extension of the RTEL1 protein. Other variant(s) that result in a similarly extended protein product (p.Gln1263Serfs*101) have been determined to be pathogenic (Invitae). This suggests that these extensions are likely to be causative of disease. Algorithms developed to predict the effect of sequence changes on RNA splicing suggest that this variant may create or strengthen a splice site, but this prediction has not been confirmed by published transcriptional studies.